The following is an entry in ClinVar:

ClinVar aggregate classification (germline): Pathogenic (1 of 4 stars; one submission).

Conditions:
Congenital myotonia, autosomal recessive form. Also called: BECKER DISEASE; Becker Generalized Myotonia; myotonia congenita, autosomal recessive. Identifiers: Orphanet 614, MedGen C0751360, MONDO:0009715, OMIM 255700.

Submission:

Women's Health and Genetics/Laboratory Corporation of America, LabCorp
Classification: Pathogenic for Congenital myotonia, autosomal recessive form. Last evaluated: 2024-08-09. Review status: criteria provided, single submitter. Criteria: LabCorp Variant Classification Summary - May 2015. Collection method: clinical testing. Allele origin: germline.
Comment: Variant summary: CLCN1 c.2262delG (p.Gln754HisfsX40) results in a premature termination codon, predicted to cause a truncation of the encoded protein or absence of the protein due to nonsense mediated decay, which are commonly known mechanisms for disease. The variant was absent in 251354 control chromosomes. To our knowledge, no occurrence of c.2262delG in individuals affected with Myotonia congenita and no experimental evidence demonstrating its impact on protein function have been reported. No submitters have cited clinical-significance assessments for this variant to ClinVar. Based on the evidence outlined above, the variant was classified as pathogenic.

NM_000083.3(CLCN1):c.2262del (p.Gln754fs)

Gene: CLCN1 (chloride voltage-gated channel 1; plus strand). Cytogenetic location: 7q34.
Variant type: Deletion.
Coding change: c.2262del on transcript NM_000083.3 (MANE Select); coding-DNA position 2262, one base deleted (G; older notation c.2262delG).
Protein change: p.Gln754fs; shifts the reading frame from glutamine 754.
Molecular consequence: frameshift variant. On other transcripts: non-coding transcript variant (1).
Genome position (GRCh38, 1-based): chr7:143,346,229, G deleted. VCF-style (leftmost placement, unchanged base first): chr7-143346228-AG-A. GRCh37 (hg19) VCF-style: chr7-143043321-AG-A.
Other names: c.2262delG (NM_000083.3); short protein forms Q754fs.
Identifiers: ClinVar variation 3366360 (VCV003366360.1).
Genomic context (GRCh38, chr7:143,346,228, plus strand): 5'-CTACTACTGCCCCTCTGTCCCCAGAAGAGCCCAATGGGCCTCTGCCTGGCCACAAACAGC[AG>A]CCGGAAGCACCAGAGCCTGCAGGTGACGCTCTTCCCTCATGCACCCCAACTCACCCCTTG-3'